The following is an entry in ClinVar:

ClinVar aggregate classification (germline): Likely benign (1 of 4 stars; one submission).

Allele frequency attached by ClinVar (database versions not stated): gnomAD exomes 0.00121; 1000 Genomes Project 0.00879; 1000 Genomes Project 30x 0.00921; gnomAD 0.01182; ESP Exome Variant Server 0.01248; TOPMed 0.01342.
gnomAD v4.1: 3,393 of 1,435,096 alleles (0.24%); highest among the groups gnomAD compares: African/African-American, 4.3%; 74 homozygotes.

Submission:

GeneDx
Classification: Likely benign. Last evaluated: 2021-05-24. Review status: criteria provided, single submitter. Criteria: GeneDx Variant Classification Process June 2021. Collection method: clinical testing. Allele origin: germline. Affected: yes.
Comment: See Variant Classification Assertion Criteria.

NM_002617.4(PEX10):c.113-62G>C

Gene: PEX10 (peroxisomal biogenesis factor 10; minus strand). Cytogenetic location: 1p36.32.
Variant type: single nucleotide variant.
Coding change: c.113-62G>C on transcript NM_002617.4 (MANE Select); 62 bases into the intron before coding-DNA position 113, G replaced by C.
Molecular consequence: intron variant.
Genome position (GRCh38, 1-based): chr1:2,410,513, C>G on the plus strand (G>C on the coding strand, the complement: PEX10 is on the minus strand). VCF-style: chr1-2410513-C-G. GRCh37 (hg19) VCF-style: chr1-2341952-C-G.
Other names: c.-320-62G>C (NM_001374427.1, NM_001374426.1); c.113-62G>C (NM_001374425.1, NM_153818.2).
Identifiers: ClinVar variation 1706890 (VCV001706890.2), dbSNP rs10910064, ClinGen allele CA16946843.